The following is an entry in ClinVar:

ClinVar aggregate classification (germline): Likely pathogenic (1 of 4 stars; one submission).

Submission:

Labcorp Genetics (formerly Invitae), Labcorp
Classification: Likely pathogenic. Last evaluated: 2021-10-01. Review status: criteria provided, single submitter. Criteria: Invitae Variant Classification Sherloc (09022015). Collection method: clinical testing. Allele origin: germline.
Comment: Algorithms developed to predict the effect of sequence changes on RNA splicing suggest that this variant may disrupt the consensus splice site. In summary, the currently available evidence indicates that the variant is pathogenic, but additional data are needed to prove that conclusively. Therefore, this variant has been classified as Likely Pathogenic. This variant has not been reported in the literature in individuals affected with SZT2-related conditions. This sequence change affects a donor splice site in intron 46 of the SZT2 gene. It is expected to disrupt RNA splicing. Variants that disrupt the donor or acceptor splice site typically lead to a loss of protein function (PMID: 16199547), and loss-of-function variants in SZT2 are known to be pathogenic (PMID: 23932106, 27248490, 28556953). This variant is not present in population databases (ExAC no frequency).

Literature cited by the submitters: PubMed 16199547; PubMed 23932106; PubMed 27248490; PubMed 28556953.

NM_001365999.1(SZT2):c.6627+2T>G

Gene: SZT2 (SZT2 subunit of KICSTOR complex; plus strand). Cytogenetic location: 1p34.2.
Variant type: single nucleotide variant.
Coding change: c.6627+2T>G on transcript NM_001365999.1 (MANE Select); the canonical splice donor site of the intron after coding-DNA position 6627, T replaced by G.
Molecular consequence: splice donor variant.
Genome position (GRCh38, 1-based): chr1:43,438,819, T>G. VCF-style: chr1-43438819-T-G. GRCh37 (hg19) VCF-style: chr1-43904490-T-G.
Other names: c.6456+2T>G (NM_015284.4).
Identifiers: ClinVar variation 1489798 (VCV001489798.6), dbSNP rs2153935278, ClinGen allele CA340031318.
Genomic context (GRCh38, chr1:43,438,819, plus strand): 5'-TGGACGTCATCACAGTTATGCTTGTTCGGAACTGCAAGCTGACACCAGCTGATGTGGAGG[T>G]CAGCTCCCCTCTAGGCACCAGCATCCTTCCCAGACTCAGCCACAGGTTCCAGGACAGTCT-3'